The following is an entry in ClinVar:

ClinVar aggregate classification (germline): Benign (0 of 4 stars; one submission).

Conditions:
TOP2A-related disorder. Also called: TOP2A-related condition.

Allele frequency attached by ClinVar (database versions not stated): 1000 Genomes Project 0.00679; 1000 Genomes Project 30x 0.00765; ExAC 0.01155; TOPMed 0.01230; gnomAD 0.01237; ESP Exome Variant Server 0.01460; gnomAD exomes 0.01929.
gnomAD v4.1: 29,919 of 1,613,910 alleles (1.9%); highest among the groups gnomAD compares: Non-Finnish European, 2.3%; 376 homozygotes.

Submission:

PreventionGenetics, part of Exact Sciences
Classification: Benign for TOP2A-related condition. Last evaluated: 2019-05-30. Review status: no assertion criteria provided. Collection method: clinical testing. Allele origin: germline.
Comment: This variant is classified as benign based on ACMG/AMP sequence variant interpretation guidelines (Richards et al. 2015 PMID: 25741868, with internal and published modifications).

NM_001067.4(TOP2A):c.4410T>G (p.Thr1470=)

Gene: TOP2A (DNA topoisomerase II alpha; minus strand). Cytogenetic location: 17q21.2.
Variant type: single nucleotide variant.
Coding change: c.4410T>G on transcript NM_001067.4 (MANE Select); coding-DNA position 4410, T replaced by G.
Protein change: p.Thr1470=; no amino-acid change (threonine 1470 retained).
Molecular consequence: synonymous variant.
Genome position (GRCh38, 1-based): chr17:40,390,022, A>C on the plus strand (T>G on the coding strand, the complement: TOP2A is on the minus strand). VCF-style: chr17-40390022-A-C. GRCh37 (hg19) VCF-style: chr17-38546274-A-C.
Identifiers: ClinVar variation 3058908 (VCV003058908.2), dbSNP rs17680289, ClinGen allele CA8542905.
Genomic context (GRCh38, chr17:40,390,022, plus strand): 5'-CACCTTGCTTGTGACTGCTTTCGAAACAATTTTCTCAAAATTAGAGTCAGAATCATCAGA[A>C]GTGGATGGCTTCCTTTTGCGGCGATTCTTGGTTTTGGCAGGATCAGGCTTTTGAGAGACA-3'
Protein context (NP_001058.2, residues 1460-1480): TKNRRKRKPS[Thr1470=]SDDSDSNFEK